The following is an entry in ClinVar:

ClinVar aggregate classification (germline): Uncertain significance. Review status: criteria provided, multiple submitters, no conflicts (2 of 4 stars). 2 submissions from 2 submitters: Uncertain significance (2). Last evaluated 2022-02-20.

Allele frequency attached by ClinVar (database versions not stated): TOPMed 0.00002; ExAC 0.00003; gnomAD 0.00003.
gnomAD v4.1: 69 of 1,607,004 alleles (0.0043%); highest among the groups gnomAD compares: Non-Finnish European, 0.0056%; no homozygotes.

Submissions (2):

Labcorp Genetics (formerly Invitae), Labcorp
Classification: Uncertain significance. Last evaluated: 2022-02-20. Review status: criteria provided, single submitter. Criteria: Invitae Variant Classification Sherloc (09022015). Collection method: clinical testing. Allele origin: germline.
Comment: In summary, the available evidence is currently insufficient to determine the role of this variant in disease. Therefore, it has been classified as a Variant of Uncertain Significance. Variants that disrupt the consensus splice site are a relatively common cause of aberrant splicing (PMID: 17576681, 9536098). Algorithms developed to predict the effect of sequence changes on RNA splicing suggest that this variant may disrupt the consensus splice site. This variant has not been reported in the literature in individuals affected with RGS9-related conditions. The frequency data for this variant in the population databases is considered unreliable, as metrics indicate poor data quality at this position in the gnomAD database. This sequence change falls in intron 7 of the RGS9 gene. It does not directly change the encoded amino acid sequence of the RGS9 protein. It affects a nucleotide within the consensus splice site.

Blueprint Genetics
Classification: Uncertain significance. Last evaluated: 2021-10-22. Review status: criteria provided, single submitter. Criteria: ACMG Guidelines, 2015. Collection method: clinical testing. Allele origin: germline.

Literature cited by the submitters: PubMed 17576681 (cited by Labcorp Genetics (formerly Invitae), Labcorp); PubMed 9536098 (cited by Labcorp Genetics (formerly Invitae), Labcorp).

NM_003835.4(RGS9):c.501-3C>A

Gene: RGS9 (regulator of G protein signaling 9; plus strand). Cytogenetic location: 17q24.1.
Variant type: single nucleotide variant.
Coding change: c.501-3C>A on transcript NM_003835.4 (MANE Select); 3 bases into the intron before coding-DNA position 501, C replaced by A.
Molecular consequence: intron variant.
Genome position (GRCh38, 1-based): chr17:65,168,197, C>A. VCF-style: chr17-65168197-C-A. GRCh37 (hg19) VCF-style: chr17-63164315-C-A.
Other names: c.501-3C>A (NM_001081955.3, NM_001165933.2).
Identifiers: ClinVar variation 2417935 (VCV002417935.5), dbSNP rs766470570, ClinGen allele CA8717706.